The following is an entry in ClinVar:

NM_207361.6(FREM2):c.475G>A (p.Ala159Thr)

Gene: FREM2 (FRAS1 related extracellular matrix 2; plus strand). Cytogenetic location: 13q13.3.
Variant type: single nucleotide variant.
Coding change: c.475G>A on transcript NM_207361.6 (MANE Select); coding-DNA position 475, G replaced by A.
Protein change: p.Ala159Thr; replaces alanine 159 with threonine.
Molecular consequence: missense variant.
Genome position (GRCh38, 1-based): chr13:38,687,819, G>A. VCF-style: chr13-38687819-G-A. GRCh37 (hg19) VCF-style: chr13-39261956-G-A.
Other names: short protein forms A159T.
Identifiers: ClinVar variation 1805701 (VCV001805701.1), dbSNP rs1418181141, ClinGen allele CA387882293.
Genomic context (GRCh38, chr13:38,687,819, plus strand): 5'-TCTCACCTGGGCGCGCGCAGCCCGTCTCGGGACCGCGTCCGGCTGCAGCTGCGCTATGAC[G>A]CGCCCGGAGGGGCAGTAGTGCTACCACTGGTACTGGAGGTGGAGGTGGTCTTCACCCAGC-3'
Protein context (NP_997244.4, residues 149-169): DRVRLQLRYD[Ala159Thr]PGGAVVLPLV

ClinVar aggregate classification (germline): Uncertain significance (1 of 4 stars; one submission).

Conditions:
Fraser syndrome 1 (FRASRS1). Also called: CRYPTOPHTHALMOS WITH OTHER MALFORMATIONS. Identifiers: Orphanet 2052, MedGen C4551480, MONDO:0054737, OMIM 219000.

Allele frequency attached by ClinVar (database versions not stated): TOPMed below 0.00001; gnomAD 0.00001.
gnomAD v4.1: 5 of 1,543,920 alleles (0.00032%); highest among the groups gnomAD compares: Non-Finnish European, 0.00044%; no homozygotes.

Submission:

Victorian Clinical Genetics Services, Murdoch Childrens Research Institute
Classification: Uncertain significance for Fraser syndrome 1. Last evaluated: 2019-08-28. Review status: criteria provided, single submitter. Criteria: ACMG Guidelines, 2015. Collection method: clinical testing. Allele origin: germline. Inheritance: Autosomal recessive inheritance. Affected: yes.
Comment: A heterozygous missense variant was identified, NM_207361.5(FREM2):c.475G>A in exon 1 of 24 of the FREM2 gene. This substitution is predicted to create a minor amino acid change from alanine to threonine at position 159 of the protein, NP_997244.4(FREM2):p.(Ala159Thr). The alanine at this position has low conservation (100 vertebrates, UCSC), and is not situated in a known functional domain. In silico software predicts this variant to be benign (PolyPhen, SIFT, CADD, MutationTaster). The variant is not present in the gnomAD population database and has not previously been reported in clinical cases. Based on information available at the time of curation, this variant has been classified a VARIANT of UNCERTAIN SIGNIFICANCE (VUS) with LOW CLINICAL RELEVANCE.